The following is an entry in ClinVar:

ClinVar aggregate classification (germline): Uncertain significance (1 of 4 stars; one submission).

Submission:

Labcorp Genetics (formerly Invitae), Labcorp
Classification: Uncertain significance. Last evaluated: 2023-08-10. Review status: criteria provided, single submitter. Criteria: Invitae Variant Classification Sherloc (09022015). Collection method: clinical testing. Allele origin: germline.
Comment: This sequence change replaces glutamine, which is neutral and polar, with proline, which is neutral and non-polar, at codon 144 of the PDE6B protein (p.Gln144Pro). This variant is not present in population databases (gnomAD no frequency). This variant has not been reported in the literature in individuals affected with PDE6B-related conditions. ClinVar contains an entry for this variant (Variation ID: 1508062). Advanced modeling of protein sequence and biophysical properties (such as structural, functional, and spatial information, amino acid conservation, physicochemical variation, residue mobility, and thermodynamic stability) has been performed at Invitae for this missense variant, however the output from this modeling did not meet the statistical confidence thresholds required to predict the impact of this variant on PDE6B protein function. In summary, the available evidence is currently insufficient to determine the role of this variant in disease. Therefore, it has been classified as a Variant of Uncertain Significance.

NM_000283.4(PDE6B):c.431A>C (p.Gln144Pro)

Gene: PDE6B (phosphodiesterase 6B; plus strand). Cytogenetic location: 4p16.3.
Variant type: single nucleotide variant.
Coding change: c.431A>C on transcript NM_000283.4 (MANE Select); coding-DNA position 431, A replaced by C.
Protein change: p.Gln144Pro; replaces glutamine 144 with proline.
Molecular consequence: missense variant.
Genome position (GRCh38, 1-based): chr4:626,057, A>C. VCF-style: chr4-626057-A-C. GRCh37 (hg19) VCF-style: chr4-619846-A-C.
Other names: c.431A>C, p.Gln144Pro (NM_001145291.2); short protein forms Q144P.
Identifiers: ClinVar variation 1508062 (VCV001508062.8), dbSNP rs2109113960, ClinGen allele CA355907193.